The following is an entry in ClinVar:

NM_032271.3(TRAF7):c.1999G>C (p.Val667Leu)

Gene: TRAF7 (TNF receptor associated factor 7; plus strand). Cytogenetic location: 16p13.3.
Variant type: single nucleotide variant.
Coding change: c.1999G>C on transcript NM_032271.3 (MANE Select); coding-DNA position 1999, G replaced by C.
Protein change: p.Val667Leu; replaces valine 667 with leucine.
Molecular consequence: missense variant.
Genome position (GRCh38, 1-based): chr16:2,176,560, G>C. VCF-style: chr16-2176560-G-C. GRCh37 (hg19) VCF-style: chr16-2226561-G-C.
Other names: short protein forms V667L.
Identifiers: ClinVar variation 3254922 (VCV003254922.1), dbSNP rs2545013180.

ClinVar aggregate classification (germline): Uncertain significance (1 of 4 stars; one submission).

Conditions:
Cardiac, facial, and digital anomalies with developmental delay. Identifiers: Orphanet 592570, MedGen C4748484, MONDO:0032572, OMIM 618164.

Submission:

Victorian Clinical Genetics Services, Murdoch Childrens Research Institute
Classification: Uncertain significance for Cardiac, facial, and digital anomalies with developmental delay. Last evaluated: 2023-07-17. Review status: criteria provided, single submitter. Criteria: ACMG Guidelines, 2015. Collection method: clinical testing. Allele origin: germline. Inheritance: Autosomal dominant inheritance. Affected: yes.
Comment: Based on the classification scheme VCGS_Germline_v1.3.4, this variant is classified as VUS-3A. Following criteria are met: 0105 - The mechanism of disease for this gene is not clearly established. However, due to the prevalence of pathogenic missense variants, the mechanism is likely to be gain of function or dominant negative (PMID: 32376980). (I) 0107 - This gene is associated with autosomal dominant disease. (I) 0200 - Variant is predicted to result in a missense amino acid change from valine to leucine. (I) 0251 - This variant is heterozygous. (I) 0301 - Variant is absent from gnomAD (both v2 and v3). (SP) 0502 - Missense variant with conflicting in silico predictions and uninformative conservation. (I) 0603 - Missense variant in a region that is highly intolerant to missense variation (high constraint region in DECIPHER). (SP) 0705 - No comparable missense variants have previous evidence for pathogenicity. (I) 0807 - This variant has no previous evidence of pathogenicity. (I) 0905 - No published segregation evidence has been identified for this variant. (I) 1007 - No published functional evidence has been identified for this variant. (I) 1208 - Inheritance information for this variant is not currently available in this individual. (I) Legend: (SP) - Supporting pathogenic, (I) - Information, (SB) - Supporting benign

Literature cited by the submitters: PubMed 32376980.